The following is an entry in ClinVar:

NM_000179.3(MSH6):c.3581T>A (p.Leu1194Ter)

Gene: MSH6 (mutS homolog 6; plus strand). Cytogenetic location: 2p16.3.
Variant type: single nucleotide variant.
Coding change: c.3581T>A on transcript NM_000179.3 (MANE Select); coding-DNA position 3581, T replaced by A.
Protein change: p.Leu1194Ter; replaces leucine 1194 with a stop codon.
Molecular consequence: nonsense.
Genome position (GRCh38, 1-based): chr2:47,805,642, T>A. VCF-style: chr2-47805642-T-A. GRCh37 (hg19) VCF-style: chr2-48032781-T-A.
Other names: c.3191T>A, p.Leu1064Ter (NM_001281492.2); c.2675T>A, p.Leu892Ter (NM_001281493.2, NM_001281494.2, NM_001406811.1 and 6 more transcripts); c.3677T>A, p.Leu1226Ter (NM_001406795.1, NM_001406802.1); c.3581T>A, p.Leu1194Ter (NM_001406796.1, NM_001406800.1, NM_001406808.1 and 1 more transcripts); c.3284T>A, p.Leu1095Ter (NM_001406797.1, NM_001406801.1, NM_001406805.1 and 10 more transcripts); c.3407T>A, p.Leu1136Ter (NM_001406798.1); c.3056T>A, p.Leu1019Ter (NM_001406799.1, NM_001406806.1, NM_001406807.1); c.2717T>A, p.Leu906Ter (NM_001406803.1); and 7 more; short protein forms L1196*, L906*, L1019*, L1095*, L1136*, L1226*, L892*, L1138*.
Identifiers: ClinVar variation 1732906 (VCV001732906.3), dbSNP rs2530822515, ClinGen allele CA346760513.

ClinVar aggregate classification (germline): Pathogenic. Review status: criteria provided, multiple submitters, no conflicts (2 of 4 stars). 2 submissions from 2 submitters: Pathogenic (2). Last evaluated 2023-08-24.

Conditions:
Hereditary cancer-predisposing syndrome. Also called: Neoplastic Syndromes, Hereditary; Tumor predisposition; Hereditary Cancer Syndrome; Hereditary neoplastic syndrome. Identifiers: Orphanet 140162, MedGen C0027672, MeSH D009386, MONDO:0015356.
Lynch syndrome 5 (LYNCH5). Also called: Hereditary non-polyposis colorectal cancer, type 5; Colorectal cancer, hereditary nonpolyposis, type 5. Identifiers: Orphanet 144, MedGen C1833477, MONDO:0013710, OMIM 614350. Disease mechanism: loss of function.

Submissions (2):

Myriad Genetics, Inc.
Classification: Pathogenic for Lynch syndrome 5. Last evaluated: 2023-08-24. Review status: criteria provided, single submitter. Criteria: Myriad Autosomal Dominant, Autosomal Recessive and X-Linked Classification Criteria (2023). Collection method: clinical testing. Allele origin: unknown.
Comment: This variant is considered pathogenic. This variant creates a termination codon and is predicted to result in premature protein truncation.

Ambry Genetics
Classification: Pathogenic for Hereditary cancer-predisposing syndrome. Last evaluated: 2019-04-18. Review status: criteria provided, single submitter. Criteria: Ambry Variant Classification Scheme 2023. Collection method: clinical testing. Allele origin: germline.
Comment: The p.L1194* pathogenic mutation (also known as c.3581T>A), located in coding exon 7 of the MSH6 gene, results from a T to A substitution at nucleotide position 3581. This changes the amino acid from a leucine to a stop codon within coding exon 7. This alteration is expected to result in loss of function by premature protein truncation or nonsense-mediated mRNA decay. As such, this alteration is interpreted as a disease-causing mutation.